The following is an entry in ClinVar:

NM_000701.8(ATP1A1):c.1999G>A (p.Gly667Ser)

Genes: ATP1A1 (ATPase Na+/K+ transporting subunit alpha 1; plus strand), ATP1A1-AS1 (ATP1A1 antisense RNA 1; minus strand). Cytogenetic location: 1p13.1.
Variant type: single nucleotide variant.
Coding change: c.1999G>A on transcript NM_000701.8 (MANE Select); coding-DNA position 1999, G replaced by A.
Protein change: p.Gly667Ser; replaces glycine 667 with serine.
Molecular consequence: missense variant.
Genome position (GRCh38, 1-based): chr1:116,397,913, G>A. VCF-style: chr1-116397913-G-A. GRCh37 (hg19) VCF-style: chr1-116940535-G-A.
Other names: c.1999G>A, p.Gly667Ser (NM_001160233.2); c.1906G>A, p.Gly636Ser (NM_001160234.2); short protein forms G636S, G667S.
Identifiers: ClinVar variation 1695549 (VCV001695549.3), dbSNP rs140135222, ClinGen allele CA1025460.

ClinVar aggregate classification (germline): Likely pathogenic (1 of 4 stars; one submission).

Allele frequency attached by ClinVar (database versions not stated): ExAC 0.00001; ESP Exome Variant Server 0.00008.

Submission:

GeneDx
Classification: Likely pathogenic. Last evaluated: 2025-05-16. Review status: criteria provided, single submitter. Criteria: GeneDx Variant Classification Process June 2021. Collection method: clinical testing. Allele origin: germline. Affected: yes.
Comment: Not observed at significant frequency in large population cohorts (gnomAD); In silico analysis supports that this missense variant has a deleterious effect on protein structure/function; Has not been previously published as pathogenic or benign to our knowledge